The following is an entry in ClinVar:

ClinVar aggregate classification (germline): Uncertain significance. Review status: criteria provided, multiple submitters, no conflicts (2 of 4 stars). 2 submissions from 2 submitters: Uncertain significance (2). Last evaluated 2025-07-17.

Conditions:
EGFR-related lung cancer (EGFR). Identifiers: MedGen CN130014.
Hereditary cancer-predisposing syndrome. Also called: Neoplastic Syndromes, Hereditary; Hereditary Cancer Syndrome; Hereditary neoplastic syndrome; Tumor predisposition. Identifiers: Orphanet 140162, MedGen C0027672, MeSH D009386, MONDO:0015356.

Allele frequency attached by ClinVar (database versions not stated): gnomAD exomes below 0.00001; ExAC 0.00002.
gnomAD v4.1: 2 of 1,613,914 alleles (0.00012%); highest among the groups gnomAD compares: Non-Finnish European, 0.00017%; no homozygotes.

Submissions (2):

Ambry Genetics
Classification: Uncertain significance for Hereditary cancer-predisposing syndrome. Last evaluated: 2025-07-17. Review status: criteria provided, single submitter. Criteria: Ambry Variant Classification Scheme 2023. Collection method: clinical testing. Allele origin: germline.
Comment: The p.I981T variant (also known as c.2942T>C), located in coding exon 24 of the EGFR gene, results from a T to C substitution at nucleotide position 2942. The isoleucine at codon 981 is replaced by threonine, an amino acid with similar properties. This amino acid position is conserved. In addition, the in silico prediction for this alteration is inconclusive. Based on the available evidence, the clinical significance of this variant remains unclear.

Labcorp Genetics (formerly Invitae), Labcorp
Classification: Uncertain significance for EGFR-related lung cancer. Last evaluated: 2022-03-03. Review status: criteria provided, single submitter. Criteria: Invitae Variant Classification Sherloc (09022015). Collection method: clinical testing. Allele origin: germline.
Comment: In summary, the available evidence is currently insufficient to determine the role of this variant in disease. Therefore, it has been classified as a Variant of Uncertain Significance. Algorithms developed to predict the effect of missense changes on protein structure and function are either unavailable or do not agree on the potential impact of this missense change (SIFT: "Deleterious"; PolyPhen-2: "Probably Damaging"; Align-GVGD: "Class C0"). This variant has not been reported in the literature in individuals affected with EGFR-related conditions. This variant is present in population databases (rs771888227, gnomAD 0.002%). This sequence change replaces isoleucine, which is neutral and non-polar, with threonine, which is neutral and polar, at codon 981 of the EGFR protein (p.Ile981Thr).

NM_005228.5(EGFR):c.2942T>C (p.Ile981Thr)

Gene: EGFR (epidermal growth factor receptor; plus strand). Cytogenetic location: 7p11.2.
Variant type: single nucleotide variant.
Coding change: c.2942T>C on transcript NM_005228.5 (MANE Select); coding-DNA position 2942, T replaced by C.
Protein change: p.Ile981Thr; replaces isoleucine 981 with threonine.
Molecular consequence: missense variant.
Genome position (GRCh38, 1-based): chr7:55,200,409, T>C. VCF-style: chr7-55200409-T-C. GRCh37 (hg19) VCF-style: chr7-55268102-T-C.
Other names: c.2807T>C, p.Ile936Thr (NM_001346897.2, NM_001346899.2); c.2942T>C, p.Ile981Thr (NM_001346898.2); c.2783T>C, p.Ile928Thr (NM_001346900.2); c.2141T>C, p.Ile714Thr (NM_001346941.2); short protein forms I714T, I928T, I981T, I936T.
Identifiers: ClinVar variation 2105917 (VCV002105917.5), dbSNP rs771888227, ClinGen allele CA4266209.